The following is an entry in ClinVar:

ClinVar aggregate classification (germline): Pathogenic (1 of 4 stars; one submission).

Submission:

Labcorp Genetics (formerly Invitae), Labcorp
Classification: Pathogenic. Last evaluated: 2024-02-24. Review status: criteria provided, single submitter. Criteria: Invitae Variant Classification Sherloc (09022015). Collection method: clinical testing. Allele origin: germline.
Comment: This sequence change creates a premature translational stop signal (p.Ser404Argfs*4) in the PRPF31 gene. It is expected to result in an absent or disrupted protein product. Loss-of-function variants in PRPF31 are known to be pathogenic (PMID: 18317597, 23950152). This variant is not present in population databases (gnomAD no frequency). This variant has not been reported in the literature in individuals affected with PRPF31-related conditions. For these reasons, this variant has been classified as Pathogenic.

Literature cited by the submitters: PubMed 18317597; PubMed 23950152.

NM_015629.4(PRPF31):c.1212_1227del (p.Ser404fs)

Gene: PRPF31 (pre-mRNA processing factor 31; plus strand). Cytogenetic location: 19q13.42.
Variant type: Deletion.
Coding change: c.1212_1227del on transcript NM_015629.4 (MANE Select); coding-DNA positions 1212 to 1227, 16 bases deleted (TGGGCGTGTGCGGCAG).
Protein change: p.Ser404fs; shifts the reading frame from serine 404.
Molecular consequence: frameshift variant.
Genome position (GRCh38, 1-based): chr19:54,129,122-54,129,137, TGGGCGTGTGCGGCAG deleted; deleting any 16 consecutive bases within chr19:54,129,117-54,129,137 gives the same sequence; the c. name uses the placement nearest the transcript's 3' end. VCF-style (leftmost placement, unchanged base first): chr19-54129116-GGGCAGTGGGCGTGTGC-G. GRCh37 (hg19) VCF-style: chr19-54632491-GGGCAGTGGGCGTGTGC-G.
Other names: short protein forms S404fs.
Identifiers: ClinVar variation 3643118 (VCV003643118.2).